The following is an entry in ClinVar:

NM_002972.4(SBF1):c.1813C>G (p.Leu605Val)

Gene: SBF1 (SET binding factor 1; minus strand). Cytogenetic location: 22q13.33.
Variant type: single nucleotide variant.
Coding change: c.1813C>G on transcript NM_002972.4 (MANE Select); coding-DNA position 1813, C replaced by G.
Protein change: p.Leu605Val; replaces leucine 605 with valine.
Molecular consequence: missense variant.
Genome position (GRCh38, 1-based): chr22:50,463,369, G>C on the plus strand (C>G on the coding strand, the complement: SBF1 is on the minus strand). VCF-style: chr22-50463369-G-C. GRCh37 (hg19) VCF-style: chr22-50901798-G-C.
Other names: c.1816C>G, p.Leu606Val (NM_001365819.1, NM_001410794.1); c.1813C>G, p.Leu605Val (NM_001410795.1, NM_197971.1); short protein forms L605V, L606V.
Identifiers: ClinVar variation 2827777 (VCV002827777.3), dbSNP rs2521967411, ClinGen allele CA412215166.

ClinVar aggregate classification (germline): Uncertain significance (1 of 4 stars; one submission).

Submission:

Labcorp Genetics (formerly Invitae), Labcorp
Classification: Uncertain significance. Last evaluated: 2023-01-12. Review status: criteria provided, single submitter. Criteria: Invitae Variant Classification Sherloc (09022015). Collection method: clinical testing. Allele origin: germline.
Comment: This sequence change replaces leucine, which is neutral and non-polar, with valine, which is neutral and non-polar, at codon 605 of the SBF1 protein (p.Leu605Val). This variant is not present in population databases (gnomAD no frequency). In summary, the available evidence is currently insufficient to determine the role of this variant in disease. Therefore, it has been classified as a Variant of Uncertain Significance. Advanced modeling of protein sequence and biophysical properties (such as structural, functional, and spatial information, amino acid conservation, physicochemical variation, residue mobility, and thermodynamic stability) performed at Invitae indicates that this missense variant is expected to disrupt SBF1 protein function. This variant has not been reported in the literature in individuals affected with SBF1-related conditions.